The following is an entry in ClinVar:

NM_014141.6(CNTNAP2):c.2945A>G (p.Glu982Gly)

Genes: CNTNAP2 (contactin associated protein 2; plus strand), LOC126860216 (BRD4-independent group 4 enhancer GRCh37_chr7:147868766-147869965; plus strand). Cytogenetic location: 7q35.
Variant type: single nucleotide variant.
Coding change: c.2945A>G on transcript NM_014141.6 (MANE Select); coding-DNA position 2945, A replaced by G.
Protein change: p.Glu982Gly; replaces glutamic acid 982 with glycine.
Molecular consequence: missense variant.
Genome position (GRCh38, 1-based): chr7:148,172,413, A>G. VCF-style: chr7-148172413-A-G. GRCh37 (hg19) VCF-style: chr7-147869505-A-G.
Other names: short protein forms E982G.
Identifiers: ClinVar variation 1213132 (VCV001213132.7), dbSNP rs752419100, ClinGen allele CA4546506.

ClinVar aggregate classification (germline): Uncertain significance. Review status: criteria provided, multiple submitters, no conflicts (2 of 4 stars). 4 submissions from 4 submitters: Uncertain significance (4). Last evaluated 2024-04-29.

Conditions:
Autism, susceptibility to, 15. Also called: Autism susceptibility 15. Identifiers: MedGen C2677504, MONDO:0012801, OMIM 612100.
Cortical dysplasia-focal epilepsy syndrome (PTHSL1). Also called: Pitt-Hopkins-like syndrome 1. Identifiers: Orphanet 163681, Orphanet 221150, MedGen C2750246, MONDO:0012400, OMIM 610042.

Allele frequency attached by ClinVar (database versions not stated): TOPMed 0.00001.
gnomAD v4.1: 38 of 1,614,076 alleles (0.0024%); highest among the groups gnomAD compares: Non-Finnish European, 0.0031%; no homozygotes.

Submissions (4):

Blueprint Genetics
Classification: Uncertain significance. Last evaluated: 2024-04-29. Review status: criteria provided, single submitter. Criteria: ACMG Guidelines, 2015. Collection method: clinical testing. Allele origin: germline.

Fulgent Genetics
Classification: Uncertain significance for Cortical dysplasia-focal epilepsy syndrome; Autism, susceptibility to, 15. Last evaluated: 2022-03-30. Review status: criteria provided, single submitter. Criteria: ACMG Guidelines, 2015. Collection method: clinical testing. Allele origin: unknown.

Labcorp Genetics (formerly Invitae), Labcorp
Classification: Uncertain significance for Cortical dysplasia-focal epilepsy syndrome. Last evaluated: 2022-03-15. Review status: criteria provided, single submitter. Criteria: Invitae Variant Classification Sherloc (09022015). Collection method: clinical testing. Allele origin: germline.
Comment: This sequence change replaces glutamic acid, which is acidic and polar, with glycine, which is neutral and non-polar, at codon 982 of the CNTNAP2 protein (p.Glu982Gly). This variant is present in population databases (rs752419100, gnomAD 0.009%). This variant has not been reported in the literature in individuals affected with CNTNAP2-related conditions. ClinVar contains an entry for this variant (Variation ID: 1213132). Algorithms developed to predict the effect of missense changes on protein structure and function (SIFT, PolyPhen-2, Align-GVGD) all suggest that this variant is likely to be disruptive. In summary, the available evidence is currently insufficient to determine the role of this variant in disease. Therefore, it has been classified as a Variant of Uncertain Significance.

GeneDx
Classification: Uncertain significance. Last evaluated: 2021-05-25. Review status: criteria provided, single submitter. Criteria: GeneDx Variant Classification Process June 2021. Collection method: clinical testing. Allele origin: germline. Affected: yes.
Comment: Not observed at a significant frequency in large population cohorts (Lek et al., 2016); In silico analysis, which includes protein predictors and evolutionary conservation, supports a deleterious effect; Has not been previously published as pathogenic or benign to our knowledge